The following is an entry in ClinVar:

NM_019098.5(CNGB3):c.1098_1101dup (p.Ala368Ter)

Gene: CNGB3 (cyclic nucleotide gated channel subunit beta 3; minus strand). Cytogenetic location: 8q21.3.
Variant type: Duplication.
Coding change: c.1098_1101dup on transcript NM_019098.5 (MANE Select); coding-DNA positions 1098 to 1101, 4 bases duplicated (TAAT; older notation c.1098_1101dupTAAT).
Protein change: p.Ala368Ter; replaces alanine 368 with a stop codon.
Molecular consequence: nonsense.
Genome position (GRCh38, 1-based): chr8:86,643,828-86,643,831, ATTA duplicated on the plus strand (TAAT on the coding strand, the reverse complement: CNGB3 is on the minus strand); duplicating any 4 consecutive bases within chr8:86,643,828-86,643,833 gives the same sequence; the c. name uses the placement nearest the transcript's 3' end. VCF-style (leftmost placement, unchanged base first): chr8-86643827-C-CATTA. GRCh37 (hg19) VCF-style: chr8-87656055-C-CATTA.
Other names: c.1098_1101dupTAAT (NM_019098.4, NM_019098.5); short protein forms A368*.
Identifiers: ClinVar variation 372954 (VCV000372954.10), dbSNP rs1057518098, ClinGen allele CA16042757.

ClinVar aggregate classification (germline): Pathogenic/Likely pathogenic. Review status: criteria provided, multiple submitters, no conflicts (2 of 4 stars). 4 submissions from 4 submitters: Pathogenic (2); Likely pathogenic (2). Last evaluated 2024-10-09.

Conditions:
Achromatopsia. Also called: Rod monochromatism. Identifiers: Orphanet 49382, MedGen C0152200, MONDO:0018852, HP:0011516.
Achromatopsia 3 (ACHM3). Also called: ACHROMATOPSIA WITH MYOPIA; PINGELAPESE BLINDNESS; TOTAL COLORBLINDNESS WITH MYOPIA; ROD MONOCHROMACY 1; ROD MONOCHROMATISM 1. Identifiers: Orphanet 49382, MedGen C1849792, MONDO:0009875, OMIM 262300.

Submissions (4):

Women's Health and Genetics/Laboratory Corporation of America, LabCorp
Classification: Pathogenic for Achromatopsia 3. Last evaluated: 2024-10-09. Review status: criteria provided, single submitter. Criteria: LabCorp Variant Classification Summary - May 2015. Collection method: clinical testing. Allele origin: germline.
Comment: Variant summary: CNGB3 c.1098_1101dupTAAT (p.Ala368X) results in a premature termination codon, predicted to cause a truncation of the encoded protein or absence of the protein due to nonsense mediated decay, which are commonly known mechanisms for disease. The variant was absent in 250384 control chromosomes. c.1098_1101dupTAAT has been reported in the literature in the compound heterozygous state in at least 1 individual affected with clinical features of CNGB3-related conditions (example, Del Pozo-Valero_2022). To our knowledge, no experimental evidence demonstrating an impact on protein function has been reported. The following publication has been ascertained in the context of this evaluation (PMID: 35119454). ClinVar contains an entry for this variant (Variation ID: 372954). Based on the evidence outlined above, the variant was classified as pathogenic.

Natera, Inc.
Classification: Likely pathogenic for Achromatopsia. Last evaluated: 2024-04-10. Review status: criteria provided, single submitter. Criteria: Natera Variant Classification Schema (03/2026). Collection method: clinical testing. Allele origin: germline.
Comment: The c.1098_1101dupTAAT variant in CNGB3 is a frameshift variant predicted to shift the reading frame and introduce a stop codon. This variant is expected to result in nonsense mediated decay, truncation, or a dysfunctional protein product. This variant is rare in the general population with a frequency below the threshold expected for the associated phenotype(s). Given the available evidence, this variant is classified as Likely Pathogenic.

Labcorp Genetics (formerly Invitae), Labcorp
Classification: Pathogenic. Last evaluated: 2024-03-16. Review status: criteria provided, single submitter. Criteria: Invitae Variant Classification Sherloc (09022015). Collection method: clinical testing. Allele origin: germline.
Comment: This sequence change creates a premature translational stop signal (p.Ala368*) in the CNGB3 gene. It is expected to result in an absent or disrupted protein product. Loss-of-function variants in CNGB3 are known to be pathogenic (PMID: 28795510). This variant is not present in population databases (gnomAD no frequency). This variant has not been reported in the literature in individuals affected with CNGB3-related conditions. ClinVar contains an entry for this variant (Variation ID: 372954). For these reasons, this variant has been classified as Pathogenic.

GeneDx
Classification: Likely pathogenic. Last evaluated: 2016-06-10. Review status: criteria provided, single submitter. Criteria: GeneDx Variant Classification (06012015). Collection method: clinical testing. Allele origin: germline. Affected: yes.
Comment: The c.1098_1101dupTAAT variant in the CNGB3 gene has not been reported previously as a pathogenic variant nor as a benign variant, to our knowledge. The c.1098_1101dupTAAT variant causes a frameshift, changing codon Asparagine 368 to a premature Stop codon, denoted p.Asn368Ter. This variant is predicted to cause loss of normal protein function either through protein truncation or nonsense-mediated mRNA decay. The c.1098_1101dupTAAT variant was not observed in approximately 6500 individuals of European and African American ancestry in the NHLBI Exome Sequencing Project, indicating it is not a common benign variant in these populations. Therefore, we interpret c.1098_1101dupTAAT as a likely pathogenic variant.

Literature cited by the submitters: PubMed 35119454 (cited by Women's Health and Genetics/Laboratory Corporation of America, LabCorp); PubMed 28795510 (cited by Labcorp Genetics (formerly Invitae), Labcorp).